The following is an entry in ClinVar:

ClinVar aggregate classification (germline): Pathogenic (1 of 4 stars; one submission).

Conditions:
Multiple congenital anomalies-hypotonia-seizures syndrome 1 (MCAHS1). Also called: Congenital disorder of glycosylation due to PIGN deficiency; PIGN-CDG; GLYCOSYLPHOSPHATIDYLINOSITOL BIOSYNTHESIS DEFECT 3. Identifiers: Orphanet 280633, MedGen C3279775, MONDO:0013563, OMIM 614080.

Allele frequency attached by ClinVar (database versions not stated): gnomAD exomes below 0.00001; TOPMed below 0.00001.
gnomAD v4.1: 2 of 1,529,250 alleles (0.00013%); highest among the groups gnomAD compares: Non-Finnish European, 0.00018%; no homozygotes.

Submission:

Labcorp Genetics (formerly Invitae), Labcorp
Classification: Pathogenic for Multiple congenital anomalies-hypotonia-seizures syndrome 1. Last evaluated: 2023-08-22. Review status: criteria provided, single submitter. Criteria: Invitae Variant Classification Sherloc (09022015). Collection method: clinical testing. Allele origin: germline.
Comment: For these reasons, this variant has been classified as Pathogenic. This variant has not been reported in the literature in individuals affected with PIGN-related conditions. The frequency data for this variant in the population databases is considered unreliable, as metrics indicate poor data quality at this position in the gnomAD database. This sequence change creates a premature translational stop signal (p.Trp314*) in the PIGN gene. It is expected to result in an absent or disrupted protein product. Loss-of-function variants in PIGN are known to be pathogenic (PMID: 24253414, 27038415).

Literature cited by the submitters: PubMed 24253414; PubMed 27038415.

NM_176787.5(PIGN):c.941G>A (p.Trp314Ter)

Gene: PIGN (phosphatidylinositol glycan anchor biosynthesis class N; minus strand). Cytogenetic location: 18q21.33.
Variant type: single nucleotide variant.
Coding change: c.941G>A on transcript NM_176787.5 (MANE Select); coding-DNA position 941, G replaced by A.
Protein change: p.Trp314Ter; replaces tryptophan 314 with a stop codon.
Molecular consequence: nonsense.
Genome position (GRCh38, 1-based): chr18:62,143,328, C>T on the plus strand (G>A on the coding strand, the complement: PIGN is on the minus strand). VCF-style: chr18-62143328-C-T. GRCh37 (hg19) VCF-style: chr18-59810561-C-T.
Other names: c.941G>A, p.Trp314Ter (NM_012327.6); short protein forms W314*.
Identifiers: ClinVar variation 2919458 (VCV002919458.3), dbSNP rs1237960253, ClinGen allele CA402600757.